The following is an entry in ClinVar:

NM_002691.4(POLD1):c.2289C>G (p.Phe763Leu)

Gene: POLD1 (DNA polymerase delta 1, catalytic subunit; plus strand). Cytogenetic location: 19q13.33.
Variant type: single nucleotide variant.
Coding change: c.2289C>G on transcript NM_002691.4 (MANE Select); coding-DNA position 2289, C replaced by G.
Protein change: p.Phe763Leu; replaces phenylalanine 763 with leucine.
Molecular consequence: missense variant. On other transcripts: non-coding transcript variant (1).
Genome position (GRCh38, 1-based): chr19:50,413,780, C>G. VCF-style: chr19-50413780-C-G. GRCh37 (hg19) VCF-style: chr19-50917037-C-G.
Other names: c.2289C>G, p.Phe763Leu (NM_001256849.1); c.2367C>G, p.Phe789Leu (NM_001308632.1); short protein forms F763L, F789L.
Identifiers: ClinVar variation 3666344 (VCV003666344.2).
Genomic context (GRCh38, chr19:50,413,780, plus strand): 5'-CACACATCCCCACCGCCCGCAGGTGGTGTATGGTGACACTGACTCCGTCATGTGCCGATT[C>G]GGCGTGTCCTCGGTGGCTGAGGCGATGGCCCTGGGGCGGGAGGCCGCGGACTGGGTGTCA-3'
Protein context (NP_002682.2, residues 753-773): YGDTDSVMCR[Phe763Leu]GVSSVAEAMA

ClinVar aggregate classification (germline): Uncertain significance (1 of 4 stars; one submission).

Conditions:
POLD1-related polyposis and colorectal cancer syndrome (CRCS10). Also called: Colorectal cancer 10; COLORECTAL CANCER, SUSCEPTIBILITY TO, ON CHROMOSOME 19q; Colorectal cancer, susceptibility to, 10. Identifiers: Orphanet 220460, MedGen C2675481, MONDO:0012953, OMIM 612591.

Submission:

Labcorp Genetics (formerly Invitae), Labcorp
Classification: Uncertain significance for POLD1-related polyposis and colorectal cancer syndrome. Last evaluated: 2024-12-10. Review status: criteria provided, single submitter. Criteria: Invitae Variant Classification Sherloc (09022015). Collection method: clinical testing. Allele origin: germline.
Comment: This sequence change replaces phenylalanine, which is neutral and non-polar, with leucine, which is neutral and non-polar, at codon 763 of the POLD1 protein (p.Phe763Leu). This variant is not present in population databases (gnomAD no frequency). This variant has not been reported in the literature in individuals affected with POLD1-related conditions. Invitae Evidence Modeling of protein sequence and biophysical properties (such as structural, functional, and spatial information, amino acid conservation, physicochemical variation, residue mobility, and thermodynamic stability) indicates that this missense variant is not expected to disrupt POLD1 protein function with a negative predictive value of 80%. In summary, the available evidence is currently insufficient to determine the role of this variant in disease. Therefore, it has been classified as a Variant of Uncertain Significance.